The following is an entry in ClinVar:

NM_145290.4(ADGRA3):c.95_114del (p.Gly32fs)

Gene: ADGRA3 (adhesion G protein-coupled receptor A3; minus strand). Cytogenetic location: 4p15.2.
Variant type: Deletion.
Coding change: c.95_114del on transcript NM_145290.4 (MANE Select); coding-DNA positions 95 to 114, 20 bases deleted (GCGGCGGCGGCGCCGCGGCG).
Protein change: p.Gly32fs; shifts the reading frame from glycine 32.
Molecular consequence: frameshift variant.
Genome position (GRCh38, 1-based): chr4:22,515,671-22,515,690, CGCCGCGGCGCCGCCGCCGC deleted on the plus strand (GCGGCGGCGGCGCCGCGGCG on the coding strand, the reverse complement: ADGRA3 is on the minus strand); deleting any 20 consecutive bases within chr4:22,515,671-22,515,696 gives the same sequence; the c. name uses the placement nearest the transcript's 3' end. VCF-style (leftmost placement, unchanged base first): chr4-22515670-GCGCCGCGGCGCCGCCGCCGC-G. GRCh37 (hg19) VCF-style: chr4-22517293-GCGCCGCGGCGCCGCCGCCGC-G.
Other names: short protein forms G32fs.
Identifiers: ClinVar variation 1480738 (VCV001480738.6), dbSNP rs1719636251, ClinGen allele CA1444015926.

ClinVar aggregate classification (germline): Uncertain significance (1 of 4 stars; one submission).

Submission:

Labcorp Genetics (formerly Invitae), Labcorp
Classification: Uncertain significance. Last evaluated: 2021-09-09. Review status: criteria provided, single submitter. Criteria: Invitae Variant Classification Sherloc (09022015). Collection method: clinical testing. Allele origin: germline.
Comment: This sequence change creates a premature translational stop signal (p.Gly32Alafs*52) in the ADGRA3 gene. It is expected to result in an absent or disrupted protein product. However, the current clinical and genetic evidence is not sufficient to establish whether loss-of-function variants in ADGRA3 cause disease. The frequency data for this variant in the population databases is considered unreliable, as metrics indicate insufficient coverage at this position in the ExAC database. This variant has not been reported in the literature in individuals affected with ADGRA3-related conditions. In summary, the available evidence is currently insufficient to determine the role of this variant in disease. Therefore, it has been classified as a Variant of Uncertain Significance.